The following is an entry in ClinVar:

ClinVar aggregate classification (germline): Uncertain significance (1 of 4 stars; one submission).

Conditions:
Familial adenomatous polyposis 1 (FAP1). Also called: FAMILIAL ADENOMATOUS POLYPOSIS 1, ATTENUATED; POLYPOSIS, ADENOMATOUS INTESTINAL. Identifiers: MedGen C2713442, MONDO:0021056, OMIM 175100. Disease mechanism: loss of function.

Submission:

Labcorp Genetics (formerly Invitae), Labcorp
Classification: Uncertain significance for Familial adenomatous polyposis 1. Last evaluated: 2024-05-07. Review status: criteria provided, single submitter. Criteria: Invitae Variant Classification Sherloc (09022015). Collection method: clinical testing. Allele origin: germline.
Comment: This sequence change replaces valine, which is neutral and non-polar, with glutamic acid, which is acidic and polar, at codon 1326 of the APC protein (p.Val1326Glu). This variant is not present in population databases (gnomAD no frequency). This variant has not been reported in the literature in individuals affected with APC-related conditions. Advanced modeling of protein sequence and biophysical properties (such as structural, functional, and spatial information, amino acid conservation, physicochemical variation, residue mobility, and thermodynamic stability) performed at Invitae indicates that this missense variant is not expected to disrupt APC protein function with a negative predictive value of 95%. In summary, the available evidence is currently insufficient to determine the role of this variant in disease. Therefore, it has been classified as a Variant of Uncertain Significance.

NM_000038.6(APC):c.3977T>A (p.Val1326Glu)

Gene: APC (APC regulator of Wnt signaling pathway; plus strand). Cytogenetic location: 5q22.2.
Variant type: single nucleotide variant.
Coding change: c.3977T>A on transcript NM_000038.6 (MANE Select); coding-DNA position 3977, T replaced by A.
Protein change: p.Val1326Glu; replaces valine 1326 with glutamic acid.
Molecular consequence: missense variant. On other transcripts: non-coding transcript variant (2).
Genome position (GRCh38, 1-based): chr5:112,839,571, T>A. VCF-style: chr5-112839571-T-A. GRCh37 (hg19) VCF-style: chr5-112175268-T-A.
Other names: c.3854T>A, p.Val1285Glu (NM_001354900.2); c.3800T>A, p.Val1267Glu (NM_001354901.2, NM_001407453.1); c.3704T>A, p.Val1235Glu (NM_001354902.2); c.3674T>A, p.Val1225Glu (NM_001354903.2, NM_001407458.1, NM_001407459.1 and 1 more transcripts); c.3599T>A, p.Val1200Glu (NM_001354904.2); c.3497T>A, p.Val1166Glu (NM_001354905.2); c.3128T>A, p.Val1043Glu (NM_001354906.2, NM_001407470.1); c.4061T>A, p.Val1354Glu (NM_001407446.1); and 11 more; short protein forms V1200E, V1267E, V1308E, V1319E, V1301E, V1316E, V1344E, V1043E.
Identifiers: ClinVar variation 3671238 (VCV003671238.2).